The following is an entry in ClinVar:

ClinVar aggregate classification (germline): Uncertain significance. Review status: criteria provided, multiple submitters, no conflicts (2 of 4 stars). 2 submissions from 2 submitters: Uncertain significance (2). Last evaluated 2025-07-31.

Conditions:
Ehlers-Danlos syndrome, dermatosparaxis type. Also called: Dermatosparaxis; EDS VIIC; Ehlers-Danlos syndrome, type VII, autosomal recessive. Identifiers: Orphanet 1901, MedGen C2700425, MONDO:0009161, OMIM 225410.

Allele frequency attached by ClinVar (database versions not stated): gnomAD exomes below 0.00001.
gnomAD v4.1: 1 of 1,580,434 alleles (0.000063%); highest among the groups gnomAD compares: Non-Finnish European, 0.000086%; no homozygotes.

Submissions (2):

GeneDx
Classification: Uncertain significance. Last evaluated: 2025-07-31. Review status: criteria provided, single submitter. Criteria: GeneDx Variant Classification Process June 2021. Collection method: clinical testing. Allele origin: germline. Affected: yes.
Comment: Not observed at significant frequency in large population cohorts (gnomAD); In silico analysis supports that this missense variant has a deleterious effect on protein structure/function; Has not been previously published as pathogenic or benign to our knowledge

Labcorp Genetics (formerly Invitae), Labcorp
Classification: Uncertain significance for Ehlers-Danlos syndrome, dermatosparaxis type. Last evaluated: 2021-08-31. Review status: criteria provided, single submitter. Criteria: Invitae Variant Classification Sherloc (09022015). Collection method: clinical testing. Allele origin: germline.
Comment: This sequence change replaces glutamic acid with glycine at codon 635 of the ADAMTS2 protein (p.Glu635Gly). The glutamic acid residue is highly conserved and there is a moderate physicochemical difference between glutamic acid and glycine. This variant is not present in population databases (ExAC no frequency). This variant has not been reported in the literature in individuals affected with ADAMTS2-related conditions. Algorithms developed to predict the effect of missense changes on protein structure and function (SIFT, PolyPhen-2, Align-GVGD) all suggest that this variant is likely to be disruptive. In summary, the available evidence is currently insufficient to determine the role of this variant in disease. Therefore, it has been classified as a Variant of Uncertain Significance.

NM_014244.5(ADAMTS2):c.1904A>G (p.Glu635Gly)

Gene: ADAMTS2 (ADAM metallopeptidase with thrombospondin type 1 motif 2; minus strand). Cytogenetic location: 5q35.3.
Variant type: single nucleotide variant.
Coding change: c.1904A>G on transcript NM_014244.5 (MANE Select); coding-DNA position 1904, A replaced by G.
Protein change: p.Glu635Gly; replaces glutamic acid 635 with glycine.
Molecular consequence: missense variant.
Genome position (GRCh38, 1-based): chr5:179,137,816, T>C on the plus strand (A>G on the coding strand, the complement: ADAMTS2 is on the minus strand). VCF-style: chr5-179137816-T-C. GRCh37 (hg19) VCF-style: chr5-178564817-T-C.
Other names: short protein forms E635G.
Identifiers: ClinVar variation 1016886 (VCV001016886.8), dbSNP rs1763091963, ClinGen allele CA362426461.